The following is an entry in ClinVar:

ClinVar aggregate classification (germline): Uncertain significance. Review status: criteria provided, multiple submitters, no conflicts (2 of 4 stars). 2 submissions from 2 submitters: Uncertain significance (2). Last evaluated 2022-10-05.

Conditions:
Severe combined immunodeficiency due to DNA-PKcs deficiency. Also called: IMMUNODEFICIENCY 26 WITH NEUROLOGIC ABNORMALITIES; Immunodeficiency 26 with or without neurologic abnormalities. Identifiers: Orphanet 317425, MedGen C4014833, MONDO:0014423, OMIM 615966.

Allele frequency attached by ClinVar (database versions not stated): gnomAD exomes below 0.00001.
gnomAD v4.1: 8 of 1,535,084 alleles (0.00052%); highest among the groups gnomAD compares: Non-Finnish European, 0.00052%; no homozygotes.

Submissions (2):

Labcorp Genetics (formerly Invitae), Labcorp
Classification: Uncertain significance for Severe combined immunodeficiency due to DNA-PKcs deficiency. Last evaluated: 2022-10-05. Review status: criteria provided, single submitter. Criteria: Invitae Variant Classification Sherloc (09022015). Collection method: clinical testing. Allele origin: germline.
Comment: In summary, the available evidence is currently insufficient to determine the role of this variant in disease. Therefore, it has been classified as a Variant of Uncertain Significance. Experimental studies and prediction algorithms are not available or were not evaluated, and the functional significance of this variant is currently unknown. This variant has not been reported in the literature in individuals affected with PRKDC-related conditions. The frequency data for this variant in the population databases is considered unreliable, as metrics indicate poor data quality at this position in the gnomAD database. This sequence change replaces serine, which is neutral and polar, with isoleucine, which is neutral and non-polar, at codon 47 of the PRKDC protein (p.Ser47Ile).

Ambry Genetics
Classification: Uncertain significance. Last evaluated: 2021-08-24. Review status: criteria provided, single submitter. Criteria: Ambry Variant Classification Scheme 2023. Collection method: clinical testing. Allele origin: germline.
Comment: The p.S47I variant (also known as c.140G>T), located in coding exon 1 of the PRKDC gene, results from a G to T substitution at nucleotide position 140. The serine at codon 47 is replaced by isoleucine, an amino acid with dissimilar properties. This amino acid position is conserved. In addition, this alteration is predicted to be tolerated by in silico analysis. Since supporting evidence is limited at this time, the clinical significance of this alteration remains unclear.

NM_006904.7(PRKDC):c.140G>T (p.Ser47Ile)

Genes: PRKDC (protein kinase, DNA-activated, catalytic subunit; minus strand), LOC130000337 (ATAC-STARR-seq lymphoblastoid silent region 19176; plus strand). Cytogenetic location: 8q11.21.
Variant type: single nucleotide variant.
Coding change: c.140G>T on transcript NM_006904.7 (MANE Select); coding-DNA position 140, G replaced by T.
Protein change: p.Ser47Ile; replaces serine 47 with isoleucine.
Molecular consequence: missense variant.
Genome position (GRCh38, 1-based): chr8:47,959,987, C>A on the plus strand (G>T on the coding strand, the complement: PRKDC is on the minus strand). VCF-style: chr8-47959987-C-A. GRCh37 (hg19) VCF-style: chr8-48872547-C-A.
Other names: c.140G>T, p.Ser47Ile (NM_001081640.2); short protein forms S47I.
Identifiers: ClinVar variation 1771997 (VCV001771997.7), dbSNP rs1328149805, ClinGen allele CA371142612.
Genomic context (GRCh38, chr8:47,959,987, plus strand): 5'-CGGGAAGCCAGGACCCACCCGCGGCCCAGCTCGGGCCGGTACCCACCCAGCACCGCGGGG[C>A]TGCTGCTCAGGACGCATTCCTGCCCCAGGCCGCGGATCAGTTGATGACCGGCCAGGGCAG-3'
Protein context (NP_008835.5, residues 37-57): GLGQECVLSS[Ser47Ile]PAVLALQTSL